The following is an entry in ClinVar:

NM_006766.5(KAT6A):c.4103A>T (p.Glu1368Val)

Gene: KAT6A (lysine acetyltransferase 6A; minus strand). Cytogenetic location: 8p11.21.
Variant type: single nucleotide variant.
Coding change: c.4103A>T on transcript NM_006766.5 (MANE Select); coding-DNA position 4103, A replaced by T.
Protein change: p.Glu1368Val; replaces glutamic acid 1368 with valine.
Molecular consequence: missense variant.
Genome position (GRCh38, 1-based): chr8:41,934,117, T>A on the plus strand (A>T on the coding strand, the complement: KAT6A is on the minus strand). VCF-style: chr8-41934117-T-A. GRCh37 (hg19) VCF-style: chr8-41791635-T-A.
Other names: short protein forms E1368V.
Identifiers: ClinVar variation 2879027 (VCV002879027.3), dbSNP rs2486756181, ClinGen allele CA371067018.

ClinVar aggregate classification (germline): Uncertain significance (1 of 4 stars; one submission).

Submission:

Labcorp Genetics (formerly Invitae), Labcorp
Classification: Uncertain significance. Last evaluated: 2023-12-14. Review status: criteria provided, single submitter. Criteria: Invitae Variant Classification Sherloc (09022015). Collection method: clinical testing. Allele origin: germline.
Comment: This sequence change replaces glutamic acid, which is acidic and polar, with valine, which is neutral and non-polar, at codon 1368 of the KAT6A protein (p.Glu1368Val). This variant is not present in population databases (gnomAD no frequency). This variant has not been reported in the literature in individuals affected with KAT6A-related conditions. Advanced modeling of protein sequence and biophysical properties (such as structural, functional, and spatial information, amino acid conservation, physicochemical variation, residue mobility, and thermodynamic stability) performed at Invitae indicates that this missense variant is not expected to disrupt KAT6A protein function with a negative predictive value of 80%. In summary, the available evidence is currently insufficient to determine the role of this variant in disease. Therefore, it has been classified as a Variant of Uncertain Significance.